The following is an entry in ClinVar:

ClinVar aggregate classification (germline): Uncertain significance (1 of 4 stars; one submission).

Submission:

Labcorp Genetics (formerly Invitae), Labcorp
Classification: Uncertain significance. Last evaluated: 2022-12-09. Review status: criteria provided, single submitter. Criteria: Invitae Variant Classification Sherloc (09022015). Collection method: clinical testing. Allele origin: germline.
Comment: In summary, the available evidence is currently insufficient to determine the role of this variant in disease. Therefore, it has been classified as a Variant of Uncertain Significance. Experimental studies and prediction algorithms are not available or were not evaluated, and the functional significance of this variant is currently unknown. This variant has not been reported in the literature in individuals affected with RCOR1-related conditions. This variant is not present in population databases (gnomAD no frequency). This variant, c.175_192del, results in the deletion of 6 amino acid(s) of the RCOR1 protein (p.Ala59_Ala64del), but otherwise preserves the integrity of the reading frame.

NM_015156.4(RCOR1):c.175_192del (p.Ala59_Ala64del)

Genes: RCOR1 (REST corepressor 1; plus strand), LOC130056530 (ATAC-STARR-seq lymphoblastoid silent region 6127; plus strand). Cytogenetic location: 14q32.31.
Variant type: Deletion.
Coding change: c.175_192del on transcript NM_015156.4 (MANE Select); coding-DNA positions 175 to 192, 18 bases deleted (GCCTCAGCCGCCGCCGCC).
Protein change: p.Ala59_Ala64del.
Molecular consequence: inframe deletion.
Genome position (GRCh38, 1-based): chr14:102,593,061-102,593,078, GCCTCAGCCGCCGCCGCC deleted; deleting any 18 consecutive bases within chr14:102,593,052-102,593,078 gives the same sequence; the c. name uses the placement nearest the transcript's 3' end. VCF-style (leftmost placement, unchanged base first): chr14-102593051-GGCCGCCGCCGCCTCAGCC-G. GRCh37 (hg19) VCF-style: chr14-103059388-GGCCGCCGCCGCCTCAGCC-G.
Identifiers: ClinVar variation 3009238 (VCV003009238.3), dbSNP rs775913279, ClinGen allele CA2510770758.